The following is an entry in ClinVar:

ClinVar aggregate classification (germline): Uncertain significance (1 of 4 stars; one submission).

Submission:

GeneDx
Classification: Uncertain significance. Last evaluated: 2019-11-05. Review status: criteria provided, single submitter. Criteria: GeneDx Variant Classification Process June 2021. Collection method: clinical testing. Allele origin: germline. Affected: yes.
Comment: Not observed in large population cohorts (Lek et al., 2016); In silico analysis, which includes protein predictors and evolutionary conservation, supports a deleterious effect; Has not been previously published as pathogenic or benign to our knowledge

NM_006767.4(LZTR1):c.1153C>T (p.Pro385Ser)

Gene: LZTR1 (leucine zipper like post translational regulator 1; plus strand). Cytogenetic location: 22q11.21.
Variant type: single nucleotide variant.
Coding change: c.1153C>T on transcript NM_006767.4 (MANE Select); coding-DNA position 1153, C replaced by T.
Protein change: p.Pro385Ser; replaces proline 385 with serine.
Molecular consequence: missense variant.
Genome position (GRCh38, 1-based): chr22:20,992,797, C>T. VCF-style: chr22-20992797-C-T. GRCh37 (hg19) VCF-style: chr22-21347086-C-T.
Other names: short protein forms P385S.
Identifiers: ClinVar variation 1309728 (VCV001309728.2), dbSNP rs2147965898, ClinGen allele CA410773611.